The following is an entry in ClinVar:

NM_007272.3(CTRC):c.456C>A (p.Asp152Glu)

Gene: CTRC (chymotrypsin C; plus strand). Cytogenetic location: 1p36.21.
Variant type: single nucleotide variant.
Coding change: c.456C>A on transcript NM_007272.3 (MANE Select); coding-DNA position 456, C replaced by A.
Protein change: p.Asp152Glu; replaces aspartic acid 152 with glutamic acid.
Molecular consequence: missense variant.
Genome position (GRCh38, 1-based): chr1:15,443,518, C>A. VCF-style: chr1-15443518-C-A. GRCh37 (hg19) VCF-style: chr1-15770013-C-A.
Other names: short protein forms D152E.
Identifiers: ClinVar variation 4008120 (VCV004008120.1).

ClinVar aggregate classification (germline): Uncertain significance (1 of 4 stars; one submission).

Conditions:
Hereditary pancreatitis (PCTT). Also called: Hereditary chronic pancreatitis; PRSS1-Related Hereditary Pancreatitis. Identifiers: Orphanet 676, MedGen C0238339, MONDO:0008185, OMIM 167800.

Submission:

Ambry Genetics
Classification: Uncertain significance for Hereditary pancreatitis. Last evaluated: 2025-04-07. Review status: criteria provided, single submitter. Criteria: Ambry Variant Classification Scheme 2023. Collection method: clinical testing. Allele origin: germline.
Comment: The p.D152E variant (also known as c.456C>A), located in coding exon 5 of the CTRC gene, results from a C to A substitution at nucleotide position 456. The aspartic acid at codon 152 is replaced by glutamic acid, an amino acid with highly similar properties. This amino acid position is conserved. In addition, this alteration is predicted to be tolerated by in silico analysis. Based on the available evidence, the clinical significance of this variant remains unclear.